The following is an entry in ClinVar:

ClinVar aggregate classification (germline): Uncertain significance. Review status: criteria provided, multiple submitters, no conflicts (2 of 4 stars). 3 submissions from 3 submitters: Uncertain significance (3). Last evaluated 2025-06-09.

Conditions:
Inborn genetic diseases. Identifiers: MedGen C0950123, MeSH D030342.
Microphthalmia, syndromic 9. Also called: ANOPHTHALMIA, CLINICAL, WITH MILD FACIAL DYSMORPHISM AND VARIABLE MALFORMATIONS OF THE LUNG, HEART, AND DIAPHRAGM; ANOPHTHALMIA/MICROPHTHALMIA AND PULMONARY HYPOPLASIA; PULMONARY AGENESIS, MICROPHTHALMIA, AND DIAPHRAGMATIC DEFECT; SPEAR SYNDROME; Matthew-Wood syndrome. Identifiers: Orphanet 2470, MedGen C1832661, MONDO:0011010, OMIM 601186.

gnomAD v4.1: 13 of 1,614,098 alleles (0.00081%); highest among the groups gnomAD compares: Admixed American, 0.022%; no homozygotes.

Submissions (3):

Ambry Genetics
Classification: Uncertain significance for Inborn genetic diseases. Last evaluated: 2025-06-09. Review status: criteria provided, single submitter. Criteria: Ambry Variant Classification Scheme 2023. Collection method: clinical testing. Allele origin: germline.

Labcorp Genetics (formerly Invitae), Labcorp
Classification: Uncertain significance for Microphthalmia, syndromic 9. Last evaluated: 2021-12-02. Review status: criteria provided, single submitter. Criteria: Invitae Variant Classification Sherloc (09022015). Collection method: clinical testing. Allele origin: germline.
Comment: This sequence change replaces valine, which is neutral and non-polar, with leucine, which is neutral and non-polar, at codon 343 of the STRA6 protein (p.Val343Leu). This variant is present in population databases (rs575928531, gnomAD 0.04%). This variant has not been reported in the literature in individuals affected with STRA6-related conditions. ClinVar contains an entry for this variant (Variation ID: 497535). Algorithms developed to predict the effect of missense changes on protein structure and function output the following: SIFT: "Tolerated"; PolyPhen-2: "Benign"; Align-GVGD: "Class C0". The leucine amino acid residue is found in multiple mammalian species, which suggests that this missense change does not adversely affect protein function. In summary, the available evidence is currently insufficient to determine the role of this variant in disease. Therefore, it has been classified as a Variant of Uncertain Significance.

Eurofins Ntd Llc (ga)
Classification: Uncertain significance. Last evaluated: 2016-10-11. Review status: criteria provided, single submitter. Criteria: EGL Classification Definitions 2015. Collection method: clinical testing. Allele origin: germline. Observed: 1 variant allele, 1 heterozygote.

NM_022369.4(STRA6):c.1027G>T (p.Val343Leu)

Gene: STRA6 (signaling receptor and transporter of retinol STRA6; minus strand). Cytogenetic location: 15q24.1.
Variant type: single nucleotide variant.
Coding change: c.1027G>T on transcript NM_022369.4 (MANE Select); coding-DNA position 1027, G replaced by T.
Protein change: p.Val343Leu; replaces valine 343 with leucine.
Molecular consequence: missense variant.
Genome position (GRCh38, 1-based): chr15:74,189,178, C>A on the plus strand (G>T on the coding strand, the complement: STRA6 is on the minus strand). VCF-style: chr15-74189178-C-A. GRCh37 (hg19) VCF-style: chr15-74481519-C-A.
Other names: c.1027G>T (NM_022369.3); c.1027G>T, p.Val343Leu (NM_001142617.2, NM_001142618.2); c.1000G>T, p.Val334Leu (NM_001142619.2); c.1138G>T, p.Val380Leu (NM_001199040.2); c.1072G>T, p.Val358Leu (NM_001199041.2); c.1144G>T, p.Val382Leu (NM_001199042.2); short protein forms V343L, V334L, V358L, V380L, V382L.
Identifiers: ClinVar variation 497535 (VCV000497535.10), dbSNP rs575928531, ClinGen allele CA7654720.